The following is an entry in ClinVar:

NM_001457.4(FLNB):c.7265A>G (p.Glu2422Gly)

Genes: FLNB (filamin B; plus strand), FLNB-AS1 (FLNB antisense RNA 1; minus strand). Cytogenetic location: 3p14.3.
Variant type: single nucleotide variant.
Coding change: c.7265A>G on transcript NM_001457.4 (MANE Select); coding-DNA position 7265, A replaced by G.
Protein change: p.Glu2422Gly; replaces glutamic acid 2422 with glycine.
Molecular consequence: missense variant.
Genome position (GRCh38, 1-based): chr3:58,168,506, A>G. VCF-style: chr3-58168506-A-G. GRCh37 (hg19) VCF-style: chr3-58154233-A-G.
Other names: c.7358A>G, p.Glu2453Gly (NM_001164317.2); c.7232A>G, p.Glu2411Gly (NM_001164318.2); c.7193A>G, p.Glu2398Gly (NM_001164319.2); short protein forms E2422G, E2453G, E2411G, E2398G.
Identifiers: ClinVar variation 2746833 (VCV002746833.3), dbSNP rs2097374897, ClinGen allele CA353334729.
Genomic context (GRCh38, chr3:58,168,506, plus strand): 5'-AGTCGGAATTCTTTATTAACACCACCCGAGCAGGTCCAGGGACATTATCCGTCACCATCG[A>G]AGGCCCATCCAAGGTTAAAATGGATTGCCAGGAAACACCTGAAGGGTACAAAGTCATGTA-3'
Protein context (NP_001448.2, residues 2412-2432): AGPGTLSVTI[Glu2422Gly]GPSKVKMDCQ

ClinVar aggregate classification (germline): Uncertain significance (1 of 4 stars; one submission).

Allele frequency attached by ClinVar (database versions not stated): TOPMed 0.00001.

Submission:

Labcorp Genetics (formerly Invitae), Labcorp
Classification: Uncertain significance. Last evaluated: 2023-07-25. Review status: criteria provided, single submitter. Criteria: Invitae Variant Classification Sherloc (09022015). Collection method: clinical testing. Allele origin: germline.
Comment: This sequence change replaces glutamic acid, which is acidic and polar, with glycine, which is neutral and non-polar, at codon 2422 of the FLNB protein (p.Glu2422Gly). This variant is not present in population databases (gnomAD no frequency). This variant has not been reported in the literature in individuals affected with FLNB-related conditions. Advanced modeling of protein sequence and biophysical properties (such as structural, functional, and spatial information, amino acid conservation, physicochemical variation, residue mobility, and thermodynamic stability) performed at Invitae indicates that this missense variant is not expected to disrupt FLNB protein function. In summary, the available evidence is currently insufficient to determine the role of this variant in disease. Therefore, it has been classified as a Variant of Uncertain Significance.